The following is an entry in ClinVar:

ClinVar aggregate classification (germline): Conflicting classifications of pathogenicity. Review status: criteria provided, conflicting classifications (1 of 4 stars). 3 submissions from 3 submitters: Pathogenic (1); Uncertain significance (1). 1 of the submissions does not count toward it. Last evaluated 2025-08-04.

Conditions:
CODAS syndrome. Also called: CEREBRAL, OCULAR, DENTAL, AURICULAR, AND SKELETAL ANOMALIES SYNDROME. Identifiers: Orphanet 1458, MedGen C1838180, MONDO:0010879, OMIM 600373.
LONP1-related disorder. Also called: LONP1-related condition; LONP1-related disorders.

Allele frequency attached by ClinVar (database versions not stated): gnomAD exomes below 0.00001; ExAC 0.00001.
gnomAD v4.1: 1 of 1,612,916 alleles (0.000062%); highest among the groups gnomAD compares: Non-Finnish European, 0.000085%; no homozygotes.

Submissions (3):

Labcorp Genetics (formerly Invitae), Labcorp
Classification: Pathogenic. Last evaluated: 2025-08-04. Review status: criteria provided, single submitter. Criteria: Invitae Variant Classification Sherloc (09022015). Collection method: clinical testing. Allele origin: germline.
Comment: This sequence change replaces threonine, which is neutral and polar, with methionine, which is neutral and non-polar, at codon 638 of the LONP1 protein (p.Thr638Met). The frequency data for this variant in the population databases is considered unreliable, as metrics indicate poor data quality at this position in the gnomAD database. This missense change has been observed in individual(s) with autosomal dominant congenital diaphragmatic hernia and/or diaphragm eventration (PMID: 26034137, 34547244). In at least one individual the variant was observed to be de novo. It has also been observed to segregate with disease in related individuals. This variant is also known as c.C1325T (p.T442M). ClinVar contains an entry for this variant (Variation ID: 1699449). Invitae Evidence Modeling of protein sequence and biophysical properties (such as structural, functional, and spatial information, amino acid conservation, physicochemical variation, residue mobility, and thermodynamic stability) indicates that this missense variant is expected to disrupt LONP1 protein function with a positive predictive value of 95%. For these reasons, this variant has been classified as Pathogenic.

Victorian Clinical Genetics Services, Murdoch Childrens Research Institute
Classification: Uncertain significance for CODAS syndrome. Last evaluated: 2020-05-25. Review status: criteria provided, single submitter. Criteria: ACMG Guidelines, 2015. Collection method: clinical testing. Allele origin: germline. Inheritance: Autosomal recessive inheritance.
Comment: Based on the classification scheme VCGS_Germline_v1.1.1, this variant is classified as VUS – 3B. Following criteria are met: 0102 - Loss-of-function is a known mechanism of disease for this gene. (N) 0106 - This gene is known to be associated with autosomal recessive disease (PMID:31636596, OMIM). (N) 0200 - Variant is predicted to result in a missense amino acid change from threonine to methionine (exon 13). (N) 0251 - Variant is heterozygous. (N) 0304 - Variant is present in gnomAD <0.01 for a recessive condition (1 heterozygote, 0 homozygote). (P) 0501 - Missense variant consistently predicted to be damaging by multiple in silico tools or highly conserved with a major amino acid change. (P) 0600 - Variant is located in an annotated domain or motif (AAA domain; PDB). (N) 0705 - No comparable variants have previous evidence for pathogenicity. (N) 0807 - Variant has not previously been reported in a clinical context. (N) 0905 - No segregation evidence has been identified for this variant. (N) 1007 - No published functional evidence has been identified for this variant. (N) 1208 - Inheritance information for this variant is not currently available. (N) Legend: (P) - Pathogenic, (N) - Neutral, (B) - Benign

PreventionGenetics, part of Exact Sciences
Classification: Uncertain significance for LONP1-related condition. Last evaluated: 2023-12-20. Review status: no assertion criteria provided. Collection method: clinical testing. Allele origin: germline. Not counted in ClinVar's aggregate classification.
Comment: The LONP1 c.1913C>T variant is predicted to result in the amino acid substitution p.Thr638Met. This variant (also known as p.T442M) has been reported to occur de novo within individuals presenting with congenital diaphragmatic hernia (Table 1, Yu et al 2015. PubMed ID: 26034137; Table S2, Qiao et al. 2021. PubMed ID: 34547244). This variant is reported in 0.0055% of alleles in individuals of East Asian descent in gnomAD. Although we suspect that this variant may be pathogenic, at this time, the clinical significance of this variant is uncertain due to the absence of conclusive functional and genetic evidence.

Literature cited by the submitters: PubMed 26034137 (cited by Labcorp Genetics (formerly Invitae), Labcorp); PubMed 34547244 (cited by Labcorp Genetics (formerly Invitae), Labcorp); PubMed 31636596 (cited by Victorian Clinical Genetics Services, Murdoch Childrens Research Institute).

NM_004793.4(LONP1):c.1913C>T (p.Thr638Met)

Gene: LONP1 (lon peptidase 1, mitochondrial; minus strand). Cytogenetic location: 19p13.3.
Variant type: single nucleotide variant.
Coding change: c.1913C>T on transcript NM_004793.4 (MANE Select); coding-DNA position 1913, C replaced by T.
Protein change: p.Thr638Met; replaces threonine 638 with methionine.
Molecular consequence: missense variant. On other transcripts: non-coding transcript variant (1).
Genome position (GRCh38, 1-based): chr19:5,696,154, G>A on the plus strand (C>T on the coding strand, the complement: LONP1 is on the minus strand). VCF-style: chr19-5696154-G-A. GRCh37 (hg19) VCF-style: chr19-5696165-G-A.
Other names: c.1721C>T, p.Thr574Met (NM_001276479.2); c.1325C>T, p.Thr442Met (NM_001276480.1); short protein forms T442M, T574M, T638M.
Identifiers: ClinVar variation 1699449 (VCV001699449.8), dbSNP rs757666530, ClinGen allele CA9114398.